The following is an entry in ClinVar:

ClinVar aggregate classification (germline): Uncertain significance (0 of 4 stars; one submission).

Allele frequency attached by ClinVar (database versions not stated): gnomAD exomes below 0.00001; TOPMed 0.00002.
gnomAD v4.1: 2 of 1,613,468 alleles (0.00012%); highest among the groups gnomAD compares: African/African-American, 0.0027%; no homozygotes.

Submission:

Department of Pathology and Laboratory Medicine, Sinai Health System
Classification: Uncertain significance. Review status: no assertion criteria provided. Collection method: clinical testing. Allele origin: unknown. Affected: yes. Study: The Canadian Open Genetics Repository (COGR).
Comment: The ACTN4 p.Gln829Gln variant was not identified in the literature nor was it identified in ClinVar or LOVD 3.0. The variant was identified in dbSNP (ID: rs950493656) but was not identified in the following control databases: the 1000 Genomes Project, the NHLBI GO Exome Sequencing Project, or the Genome Aggregation Database (March 6, 2019, v2.1.1). The variant was identified in the TOPMED database in 3 out of 125568 chromosomes (freq: 0.000024). The p.Gln829Gln variant is not expected to have clinical significance because it does not result in a change of amino acid and is not located in a known consensus splice site. However, 4 of 4 in silico or computational prediction software programs (SpliceSiteFinder, MaxEntScan, NNSPLICE, GeneSplicer) predict a greater than 10% difference in splicing, specifically the creation of the 3â€šÃ„Ã´ splice site. However, this has not been confirmed by RNA analysis and is not predictive enough to assume pathogenicity. In summary, based on the above information the clinical significance of this variant cannot be determined with certainty at this time. This variant is classified as a variant of uncertain significance.

NM_004924.6(ACTN4):c.2487A>G (p.Gln829=)

Gene: ACTN4 (actinin alpha 4; plus strand). Cytogenetic location: 19q13.2.
Variant type: single nucleotide variant.
Coding change: c.2487A>G on transcript NM_004924.6 (MANE Select); coding-DNA position 2487, A replaced by G.
Protein change: p.Gln829=; no amino-acid change (glutamine 829 retained).
Molecular consequence: synonymous variant.
Genome position (GRCh38, 1-based): chr19:38,729,064, A>G. VCF-style: chr19-38729064-A-G. GRCh37 (hg19) VCF-style: chr19-39219704-A-G.
Other names: c.2472A>G, p.Gln824= (NM_001322033.2).
Identifiers: ClinVar variation 1049903 (VCV001049903.1), dbSNP rs950493656, ClinGen allele CA308125361.